The following is an entry in ClinVar:

NM_003331.5(TYK2):c.2314C>T (p.Arg772Trp)

Gene: TYK2 (tyrosine kinase 2; minus strand). Cytogenetic location: 19p13.2.
Variant type: single nucleotide variant.
Coding change: c.2314C>T on transcript NM_003331.5 (MANE Select); coding-DNA position 2314, C replaced by T.
Protein change: p.Arg772Trp; replaces arginine 772 with tryptophan.
Molecular consequence: missense variant.
Genome position (GRCh38, 1-based): chr19:10,357,916, G>A on the plus strand (C>T on the coding strand, the complement: TYK2 is on the minus strand). VCF-style: chr19-10357916-G-A. GRCh37 (hg19) VCF-style: chr19-10468592-G-A.
Other names: c.2314C>T (LRG_121t1); short protein forms R772W.
Identifiers: ClinVar variation 426165 (VCV000426165.8), dbSNP rs755089851, ClinGen allele CA9193104.

ClinVar aggregate classification (germline): Uncertain significance. Review status: criteria provided, multiple submitters, no conflicts (2 of 4 stars). 3 submissions from 3 submitters: Uncertain significance (3). Last evaluated 2025-12-08.

Conditions:
Inborn genetic diseases. Identifiers: MedGen C0950123, MeSH D030342.
Immunodeficiency 35 (IMD35). Also called: Susceptibility to infection due to TYK2 deficiency; HIES WITH ATYPICAL MYCOBACTERIOSIS, AUTOSOMAL RECESSIVE; HYPER-IgE SYNDROME WITH ATYPICAL MYCOBACTERIOSIS, AUTOSOMAL RECESSIVE; TYK2 DEFICIENCY. Identifiers: Orphanet 331226, MedGen C1969086, MONDO:0012682, OMIM 611521.

Allele frequency attached by ClinVar (database versions not stated): ExAC 0.00001; gnomAD 0.00002; gnomAD exomes 0.00002; TOPMed 0.00005.
gnomAD v4.1: 25 of 1,613,394 alleles (0.0015%); highest among the groups gnomAD compares: Middle Eastern, 0.016%; no homozygotes.

Submissions (3):

Ambry Genetics
Classification: Uncertain significance for Inborn genetic diseases. Last evaluated: 2025-12-08. Review status: criteria provided, single submitter. Criteria: Ambry Variant Classification Scheme 2023. Collection method: clinical testing. Allele origin: germline.

Labcorp Genetics (formerly Invitae), Labcorp
Classification: Uncertain significance for Immunodeficiency 35. Last evaluated: 2023-12-11. Review status: criteria provided, single submitter. Criteria: Invitae Variant Classification Sherloc (09022015). Collection method: clinical testing. Allele origin: germline.
Comment: This sequence change replaces arginine, which is basic and polar, with tryptophan, which is neutral and slightly polar, at codon 772 of the TYK2 protein (p.Arg772Trp). This variant is present in population databases (rs755089851, gnomAD 0.009%). This variant has not been reported in the literature in individuals affected with TYK2-related conditions. ClinVar contains an entry for this variant (Variation ID: 426165). Algorithms developed to predict the effect of missense changes on protein structure and function output the following: SIFT: "Not Available"; PolyPhen-2: "Possibly Damaging"; Align-GVGD: "Not Available". The tryptophan amino acid residue is found in multiple mammalian species, which suggests that this missense change does not adversely affect protein function. In summary, the available evidence is currently insufficient to determine the role of this variant in disease. Therefore, it has been classified as a Variant of Uncertain Significance.

GeneDx
Classification: Uncertain significance. Last evaluated: 2017-04-28. Review status: criteria provided, single submitter. Criteria: GeneDx Variant Classification (06012015). Collection method: clinical testing. Allele origin: germline. Affected: yes.
Comment: The R772W variant in the TYK2 gene has not been reported previously as a pathogenic variant, nor as a benign variant, to our knowledge. The R772W variant is not observed at a significant frequency in large population cohorts (Lek et al., 2016; 1000 Genomes Consortium et al., 2015; Exome Variant Server). The R772W variant is a non-conservative amino acid substitution, which is likely to impact secondary protein structure as these residues differ in polarity, charge, size and/or other properties. This substitution occurs at a position that is conserved in mammals. In silico analysis is inconsistent in its predictions as to whether or not the variant is damaging to the protein structure/function. We interpret R772W as a variant of uncertain significance.